The following is an entry in ClinVar:

NM_001146262.4(SYT14):c.1286C>T (p.Thr429Ile)

Gene: SYT14 (synaptotagmin 14; plus strand). Cytogenetic location: 1q32.2.
Variant type: single nucleotide variant.
Coding change: c.1286C>T on transcript NM_001146262.4 (MANE Select); coding-DNA position 1286, C replaced by T.
Protein change: p.Thr429Ile; replaces threonine 429 with isoleucine.
Molecular consequence: missense variant. On other transcripts: non-coding transcript variant (1).
Genome position (GRCh38, 1-based): chr1:210,155,842, C>T. VCF-style: chr1-210155842-C-T. GRCh37 (hg19) VCF-style: chr1-210329187-C-T.
Other names: c.1421C>T, p.Thr474Ile (NM_001146261.4, NM_001146264.4); c.1172C>T, p.Thr391Ile (NM_001256006.3); c.2156C>T, p.Thr719Ile (NM_001397544.1, NM_001397545.1); c.1286C>T, p.Thr429Ile (NM_153262.5); short protein forms T474I, T429I, T719I, T391I.
Identifiers: ClinVar variation 3571951 (VCV003571951.1).

ClinVar aggregate classification (germline): Uncertain significance (1 of 4 stars; one submission).

gnomAD v4.1: 4 of 1,613,998 alleles (0.00025%); highest among the groups gnomAD compares: South Asian, 0.0011%; no homozygotes.

Submission:

Athena Diagnostics
Classification: Uncertain significance. Last evaluated: 2024-04-15. Review status: criteria provided, single submitter. Criteria: Athena Diagnostics Criteria. Collection method: clinical testing. Allele origin: unknown.
Comment: Available data are insufficient to determine the clinical significance of the variant at this time. The frequency of this variant in the general population is uninformative in assessment of its pathogenicity. Computational tools disagree on the variant's effect on normal protein function.